The following is an entry in ClinVar:

ClinVar aggregate classification (germline): Uncertain significance (1 of 4 stars; one submission).

gnomAD v4.1: 27 of 1,612,720 alleles (0.0017%); highest among the groups gnomAD compares: East Asian, 0.029%; no homozygotes.

Submission:

Labcorp Genetics (formerly Invitae), Labcorp
Classification: Uncertain significance. Last evaluated: 2025-08-13. Review status: criteria provided, single submitter. Criteria: Invitae Variant Classification Sherloc (09022015). Collection method: clinical testing. Allele origin: germline.
Comment: This sequence change replaces arginine, which is basic and polar, with glutamine, which is neutral and polar, at codon 203 of the WNT4 protein (p.Arg203Gln). This variant is present in population databases (rs752507127, gnomAD 0.07%), and has an allele count higher than expected for a pathogenic variant. This variant has not been reported in the literature in individuals affected with WNT4-related conditions. Invitae Evidence Modeling of protein sequence and biophysical properties (such as structural, functional, and spatial information, amino acid conservation, physicochemical variation, residue mobility, and thermodynamic stability) indicates that this missense variant is not expected to disrupt WNT4 protein function with a negative predictive value of 80%. In summary, the available evidence is currently insufficient to determine the role of this variant in disease. Therefore, it has been classified as a Variant of Uncertain Significance.

NM_030761.5(WNT4):c.608G>A (p.Arg203Gln)

Gene: WNT4 (Wnt family member 4; minus strand). Cytogenetic location: 1p36.12.
Variant type: single nucleotide variant.
Coding change: c.608G>A on transcript NM_030761.5 (MANE Select); coding-DNA position 608, G replaced by A.
Protein change: p.Arg203Gln; replaces arginine 203 with glutamine.
Molecular consequence: missense variant.
Genome position (GRCh38, 1-based): chr1:22,120,498, C>T on the plus strand (G>A on the coding strand, the complement: WNT4 is on the minus strand). VCF-style: chr1-22120498-C-T. GRCh37 (hg19) VCF-style: chr1-22446991-C-T.
Other names: short protein forms R203Q.
Identifiers: ClinVar variation 4750415 (VCV004750415.1).